The following is an entry in ClinVar:

NM_005141.5(FGB):c.688A>T (p.Ser230Cys)

Gene: FGB (fibrinogen beta chain; plus strand). Cytogenetic location: 4q31.3.
Variant type: single nucleotide variant.
Coding change: c.688A>T on transcript NM_005141.5 (MANE Select); coding-DNA position 688, A replaced by T.
Protein change: p.Ser230Cys; replaces serine 230 with cysteine.
Molecular consequence: missense variant.
Genome position (GRCh38, 1-based): chr4:154,567,790, A>T. VCF-style: chr4-154567790-A-T. GRCh37 (hg19) VCF-style: chr4-155488942-A-T.
Other names: c.511A>T, p.Ser171Cys (NM_001184741.1); c.556A>T, p.Ser186Cys (NM_001382759.1); c.688A>T, p.Ser230Cys (NM_001382760.1, NM_001382761.1, NM_001382762.1 and 3 more transcripts); short protein forms S171C, S186C, S230C.
Identifiers: ClinVar variation 3385103 (VCV003385103.1).
Genomic context (GRCh38, chr4:154,567,790, plus strand): 5'-CAAAAGTTAGAATCTGATGTCTCAGCTCAAATGGAATATTGTCGCACCCCATGCACTGTC[A>T]GTTGCAATATTCCTGTGGTGTCTGGCAAAGGTAACTGATTCATAAACATATTTTTAGAGA-3'
Protein context (NP_005132.2, residues 220-240): MEYCRTPCTV[Ser230Cys]CNIPVVSGKE

ClinVar aggregate classification (germline): Uncertain significance (1 of 4 stars; one submission).

Submission:

Women's Health and Genetics/Laboratory Corporation of America, LabCorp
Classification: Uncertain significance. Last evaluated: 2024-10-25. Review status: criteria provided, single submitter. Criteria: LabCorp Variant Classification Summary - May 2015. Collection method: clinical testing. Allele origin: germline.
Comment: Variant summary: FGB c.688A>T (p.Ser230Cys) results in a non-conservative amino acid change located in the Fibrinogen, alpha/beta/gamma chain, coiled coil domain (IPR012290) of the encoded protein sequence. Four of five in-silico tools predict a damaging effect of the variant on protein function. The variant allele was found at a frequency of 2.4e-05 in 250794 control chromosomes, predominantly at a frequency of 0.00014 within the Latino subpopulation in the gnomAD database. The available data on variant occurrences in the general population are insufficient to allow any conclusion about variant significance. To our knowledge, no occurrence of c.688A>T in individuals affected with Afibrinogenemia, Congenital and no experimental evidence demonstrating its impact on protein function have been reported. No submitters have cited clinical-significance assessments for this variant to ClinVar. Based on the evidence outlined above, the variant was classified as uncertain significance.